The following is an entry in ClinVar:

NM_022834.5(VWA1):c.686G>A (p.Arg229His)

Gene: VWA1 (von Willebrand factor A domain containing 1; plus strand). Cytogenetic location: 1p36.33.
Variant type: single nucleotide variant.
Coding change: c.686G>A on transcript NM_022834.5 (MANE Select); coding-DNA position 686, G replaced by A.
Protein change: p.Arg229His; replaces arginine 229 with histidine.
Molecular consequence: missense variant. On other transcripts: 3 prime UTR variant (1).
Genome position (GRCh38, 1-based): chr1:1,439,135, G>A. VCF-style: chr1-1439135-G-A. GRCh37 (hg19) VCF-style: chr1-1374515-G-A.
Other names: p.Arg229His; c.*96G>A (NM_199121.3); short protein forms R229H.
Identifiers: ClinVar variation 2346761 (VCV002346761.4), dbSNP rs140102921, ClinGen allele CA523226.

ClinVar aggregate classification (germline): Conflicting classifications of pathogenicity. Review status: criteria provided, conflicting classifications (1 of 4 stars). 3 submissions from 3 submitters: Uncertain significance (1); Likely benign (2). Last evaluated 2025-10-28.

Allele frequency attached by ClinVar (database versions not stated): ESP Exome Variant Server 0.00008; ExAC 0.00029; gnomAD 0.00036; 1000 Genomes Project 0.00040; 1000 Genomes Project 30x 0.00047.

Submissions (3):

Women's Health and Genetics/Laboratory Corporation of America, LabCorp
Classification: Likely benign. Last evaluated: 2025-10-28. Review status: criteria provided, single submitter. Criteria: LabCorp Variant Classification Summary - May 2015. Collection method: clinical testing. Allele origin: germline.
Comment: Variant summary: VWA1 c.686G>A (p.Arg229His) results in a non-conservative amino acid change in the encoded protein sequence. Algorithms developed to predict the effect of missense changes on protein structure and function are either unavailable or do not agree on the potential impact of this missense change. The variant allele was found at a frequency of 0.00033 in 226520 control chromosomes, predominantly at a frequency of 0.0012 within the Latino subpopulation in the gnomAD database. The observed variant frequency within Latino control individuals in the gnomAD database exceeds the estimated maximal expected allele frequency for disease-causing variants in VWA1. To our knowledge, no occurrence of c.686G>A in individuals affected with VWA1-related conditions and no experimental evidence demonstrating its impact on protein function have been reported. ClinVar contains an entry for this variant (Variation ID: 2346761). Based on the evidence outlined above, the variant was classified as likely benign.

Mayo Clinic Laboratories, Mayo Clinic
Classification: Likely benign. Last evaluated: 2025-05-06. Review status: criteria provided, single submitter. Criteria: ACMG Guidelines, 2015. Collection method: clinical testing. Allele origin: germline. Observed: 1 variant allele.
Comment: BS1, BP4_moderate

Ambry Genetics
Classification: Uncertain significance. Last evaluated: 2021-08-13. Review status: criteria provided, single submitter. Criteria: Ambry Variant Classification Scheme 2023. Collection method: clinical testing. Allele origin: germline.